The following is an entry in ClinVar:

NM_000094.4(COL7A1):c.3832-12_3842delinsTATCCCCACCTAAC

Gene: COL7A1 (collagen type VII alpha 1 chain; minus strand). Cytogenetic location: 3p21.31.
Variant type: Indel.
Coding change: c.3832-12_3842delinsTATCCCCACCTAAC on transcript NM_000094.4 (MANE Select); 12 bases into the intron before coding-DNA position 3832 through coding-DNA position 3842, ATCTTCTTTCAGGGCAGGACCGG replaced by TATCCCCACCTAAC.
Molecular consequence: splice acceptor variant.
Genome position (GRCh38, 1-based): chr3:48,585,609-48,585,631, CCGGTCCTGCCCTGAAAGAAGAT replaced by GTTAGGTGGGGATA on the plus strand (ATCTTCTTTCAGGGCAGGACCGG replaced by TATCCCCACCTAAC on the coding strand, the reverse complement: COL7A1 is on the minus strand). GRCh37 (hg19): chr3:48,623,042-48,623,064.
Identifiers: ClinVar variation 5004550 (VCV005004550.1).

ClinVar aggregate classification (germline): Uncertain significance (1 of 4 stars; one submission).

Conditions:
Recessive dystrophic epidermolysis bullosa (RDEB). Also called: Epidermolysis Bullosa Distrophica Autosomal Recessive (RDEB); Recessive DEB (RDEB); DYSTROPHIC EPIDERMOLYSIS BULLOSA, AUTOSOMAL RECESSIVE; EPIDERMOLYSIS BULLOSA DYSTROPHICA, HALLOPEAU-SIEMENS TYPE; severe generalized recessive dystrophic epidermolysis bullosa; epidermolysis bullosa dystrophica, autosomal recessive. Identifiers: Orphanet 79408, Orphanet 79409, MedGen C0079474, MONDO:0009179, OMIM 226600.

Submission:

Myriad Genetics, Inc.
Classification: Uncertain significance for Recessive dystrophic epidermolysis bullosa. Last evaluated: 2026-03-24. Review status: criteria provided, single submitter. Criteria: Myriad Autosomal Dominant, Autosomal Recessive and X-Linked Classification Criteria (2023). Collection method: clinical testing. Allele origin: unknown.
Comment: NM_000094.3(COL7A1):c.3832-12_3842del23ins14 is a variant in a canonical splice site classified as a variant of uncertain significance in the context of dystrophic epidermolysis bullosa. c.3832-12_3842del23ins14 has not been observed in cases with relevant disease. Relevant functional assessments of this variant are not available in the literature. c.3832-12_3842del23ins14 has not been observed in referenced population frequency databases. In summary, there is insufficient evidence to classify NM_000094.3(COL7A1):c.3832-12_3842del23ins14 as pathogenic or benign. Please note: this variant was assessed in the context of healthy population screening.